The following is an entry in ClinVar:

NM_000440.3(PDE6A):c.2056G>T (p.Asp686Tyr)

Gene: PDE6A (phosphodiesterase 6A; minus strand). Cytogenetic location: 5q32.
Variant type: single nucleotide variant.
Coding change: c.2056G>T on transcript NM_000440.3 (MANE Select); coding-DNA position 2056, G replaced by T.
Protein change: p.Asp686Tyr; replaces aspartic acid 686 with tyrosine.
Molecular consequence: missense variant.
Genome position (GRCh38, 1-based): chr5:149,883,508, C>A on the plus strand (G>T on the coding strand, the complement: PDE6A is on the minus strand). VCF-style: chr5-149883508-C-A. GRCh37 (hg19) VCF-style: chr5-149263071-C-A.
Other names: short protein forms D686Y.
Identifiers: ClinVar variation 1508683 (VCV001508683.3), dbSNP rs1446834745, ClinGen allele CA361692611.

ClinVar aggregate classification (germline): Uncertain significance (1 of 4 stars; one submission).

Allele frequency attached by ClinVar (database versions not stated): gnomAD exomes below 0.00001.
gnomAD v4.1: 1 of 1,613,412 alleles (0.000062%); highest among the groups gnomAD compares: Non-Finnish European, 0.000085%; no homozygotes.

Submission:

Labcorp Genetics (formerly Invitae), Labcorp
Classification: Uncertain significance. Last evaluated: 2022-06-27. Review status: criteria provided, single submitter. Criteria: Invitae Variant Classification Sherloc (09022015). Collection method: clinical testing. Allele origin: germline.
Comment: This sequence change replaces aspartic acid, which is acidic and polar, with tyrosine, which is neutral and polar, at codon 686 of the PDE6A protein (p.Asp686Tyr). This variant is not present in population databases (gnomAD no frequency). This variant has not been reported in the literature in individuals affected with PDE6A-related conditions. Algorithms developed to predict the effect of missense changes on protein structure and function are either unavailable or do not agree on the potential impact of this missense change (SIFT: "Deleterious"; PolyPhen-2: "Probably Damaging"; Align-GVGD: "Class C15"). In summary, the available evidence is currently insufficient to determine the role of this variant in disease. Therefore, it has been classified as a Variant of Uncertain Significance.